The following is an entry in ClinVar:

ClinVar aggregate classification (germline): Likely pathogenic. Review status: criteria provided, single submitter (1 of 4 stars). 2 submissions from 2 submitters: Likely pathogenic (1). 1 of the submissions does not count toward it. Last evaluated 2020-11-25.

Conditions:
Hereditary factor VIII deficiency disease (HEMA). Also called: HEMOPHILIA, CLASSIC; Hemophilia A; Hemophilia A, congenital; HEM A; Factor 8 deficiency, congenital; AUTOSOMAL HEMOPHILIA A. Identifiers: Orphanet 98878, MedGen C0019069, MONDO:0010602, OMIM 306700.

Submissions (2):

ARUP Laboratories, Molecular Genetics and Genomics, ARUP Laboratories
Classification: Likely pathogenic for Hereditary factor VIII deficiency disease. Last evaluated: 2020-11-25. Review status: criteria provided, single submitter. Criteria: ARUP Molecular Germline Variant Investigation Process 2021. Collection method: clinical testing. Allele origin: germline.
Comment: The F8 c.986G>A; p.Cys329Tyr variant (rs137852409), also known as p.Cys310Tyr, is reported in the literature in individuals affected with severe hemophilia A (see link to FVIII database, Antonarakis 1995, Salviato 2007). This variant is also reported in ClinVar (Variation ID: 10201), and is absent from general population databases (Exome Variant Server, Genome Aggregation Database), indicating it is not a common polymorphism. Additionally, other amino acid substitutions at this codon (Ser, Phe, Arg) have been reported in individuals with moderate to severe hemophilia A (see link to FVIII database, Antonarakis 1995). The cysteine at codon 329 is highly conserved, and computational analyses predict that this variant is deleterious (REVEL: 0.937). Based on available information, this variant is considered to be likely pathogenic. References: Link to FVIII database: Antonarakis SE et al. Molecular etiology of factor VIII deficiency in hemophilia A. Hum Mutat. 1995;5(1):1-22. Salviato R et al. F8 gene mutation profile and ITT response in a cohort of Italian haemophilia A patients with inhibitors. Haemophilia. 2007 Jul;13(4):361-72.

OMIM
Classification: Pathogenic for HEMOPHILIA A. Last evaluated: 1995-01-01. Review status: no assertion criteria provided. Collection method: literature only. Allele origin: germline. Not counted in ClinVar's aggregate classification.

Literature cited by the submitters: PubMed 7728145 (cited by OMIM).

NM_000132.4(F8):c.986G>A (p.Cys329Tyr)

Gene: F8 (coagulation factor VIII; minus strand). Cytogenetic location: Xq28.
Variant type: single nucleotide variant.
Coding change: c.986G>A on transcript NM_000132.4 (MANE Select); coding-DNA position 986, G replaced by A.
Protein change: p.Cys329Tyr; replaces cysteine 329 with tyrosine.
Molecular consequence: missense variant.
Genome position (GRCh38, 1-based): chrX:154,969,354, C>T on the plus strand (G>A on the coding strand, the complement: F8 is on the minus strand). VCF-style: chrX-154969354-C-T. GRCh37 (hg19) VCF-style: chrX-154197629-C-T.
Other names: F8, CYS329TYR; short protein forms C329Y.
Identifiers: ClinVar variation 10201 (VCV000010201.9), dbSNP rs137852409, ClinGen allele CA255089.